The following is an entry in ClinVar:

NM_022168.4(IFIH1):c.1936G>A (p.Asp646Asn)

Gene: IFIH1 (interferon induced with helicase C domain 1; minus strand). Cytogenetic location: 2q24.2.
Variant type: single nucleotide variant.
Coding change: c.1936G>A on transcript NM_022168.4 (MANE Select); coding-DNA position 1936, G replaced by A.
Protein change: p.Asp646Asn; replaces aspartic acid 646 with asparagine.
Molecular consequence: missense variant.
Genome position (GRCh38, 1-based): chr2:162,277,523, C>T on the plus strand (G>A on the coding strand, the complement: IFIH1 is on the minus strand). VCF-style: chr2-162277523-C-T. GRCh37 (hg19) VCF-style: chr2-163134033-C-T.
Other names: short protein forms D646N.
Identifiers: ClinVar variation 2037592 (VCV002037592.4), dbSNP rs556917411, ClinGen allele CA1934347.
Genomic context (GRCh38, chr2:162,277,523, plus strand): 5'-GTTTCTTTAAATCATCCTCATCTTCATCACCATCACAATACTCATCATCACCACCCTCAT[C>T]ACTATCATCTTCTATGACTGCAAACTTCTTATCTTTCTCTTCATTATAGAAAGTTTCAAG-3'
Protein context (NP_071451.2, residues 636-656): KKFAVIEDDS[Asp646Asn]EGGDDEYCDG

ClinVar aggregate classification (germline): Uncertain significance (1 of 4 stars; one submission).

Conditions:
Aicardi-Goutieres syndrome 7 (AGS7). Identifiers: Orphanet 51, MedGen C3888244, MONDO:0014367, OMIM 615846.
Singleton-Merten syndrome 1 (SGMRT1). Also called: Widened medullary cavities of bone, aortic calcification, abnormal dentition, and muscular weakness; Syndrome of widened medullary cavities of the metacarpals and phalanges, aortic calcification and abnormal dentition. Identifiers: Orphanet 85191, MedGen C4225427, MONDO:0024535, OMIM 182250.

Allele frequency attached by ClinVar (database versions not stated): gnomAD 0.00001; ExAC 0.00009; 1000 Genomes Project 30x 0.00016; 1000 Genomes Project 0.00020.
gnomAD v4.1: 28 of 1,586,620 alleles (0.0018%); highest among the groups gnomAD compares: South Asian, 0.031%; 1 homozygote.

Submission:

Labcorp Genetics (formerly Invitae), Labcorp
Classification: Uncertain significance for Aicardi-Goutieres syndrome 7; Singleton-Merten syndrome 1. Last evaluated: 2024-01-05. Review status: criteria provided, single submitter. Criteria: Invitae Variant Classification Sherloc (09022015). Collection method: clinical testing. Allele origin: germline.
Comment: This sequence change replaces aspartic acid, which is acidic and polar, with asparagine, which is neutral and polar, at codon 646 of the IFIH1 protein (p.Asp646Asn). This variant is present in population databases (rs556917411, gnomAD 0.04%), and has an allele count higher than expected for a pathogenic variant. This variant has not been reported in the literature in individuals affected with IFIH1-related conditions. ClinVar contains an entry for this variant (Variation ID: 2037592). Advanced modeling of protein sequence and biophysical properties (such as structural, functional, and spatial information, amino acid conservation, physicochemical variation, residue mobility, and thermodynamic stability) has been performed at Invitae for this missense variant, however the output from this modeling did not meet the statistical confidence thresholds required to predict the impact of this variant on IFIH1 protein function. In summary, the available evidence is currently insufficient to determine the role of this variant in disease. Therefore, it has been classified as a Variant of Uncertain Significance.